The following is an entry in ClinVar:

NM_004187.5(KDM5C):c.3329C>T (p.Ser1110Leu)

Gene: KDM5C (lysine demethylase 5C; minus strand). Cytogenetic location: Xp11.22.
Variant type: single nucleotide variant.
Coding change: c.3329C>T on transcript NM_004187.5 (MANE Select); coding-DNA position 3329, C replaced by T.
Protein change: p.Ser1110Leu; replaces serine 1110 with leucine.
Molecular consequence: missense variant. On other transcripts: non-coding transcript variant (3).
Genome position (GRCh38, 1-based): chrX:53,195,040, G>A on the plus strand (C>T on the coding strand, the complement: KDM5C is on the minus strand). VCF-style: chrX-53195040-G-A. GRCh37 (hg19) VCF-style: chrX-53224222-G-A.
Other names: c.3329C>T, p.Ser1110Leu (NM_001353981.2, NM_001353984.2, NM_001353978.3); c.3326C>T, p.Ser1109Leu (NM_001353982.2, NM_001282622.3, NM_001353979.2); c.3128C>T, p.Ser1043Leu (NM_001146702.2); short protein forms S1043L, S1109L, S1110L.
Identifiers: ClinVar variation 5017239 (VCV005017239.1).

ClinVar aggregate classification (germline): Uncertain significance (1 of 4 stars; one submission).

Submission:

GeneDx
Classification: Uncertain significance. Last evaluated: 2026-03-24. Review status: criteria provided, single submitter. Criteria: GeneDx Variant Classification Process June 2021. Collection method: clinical testing. Allele origin: germline.
Comment: Not observed at significant frequency in large population cohorts (gnomAD); In silico analysis suggests that this missense variant does not alter protein structure/function; Has not been previously published as pathogenic or benign to our knowledge